The following is an entry in ClinVar:

ClinVar aggregate classification (germline): Pathogenic/Likely pathogenic. Review status: criteria provided, multiple submitters, no conflicts (2 of 4 stars). 3 submissions from 3 submitters: Pathogenic (1); Likely pathogenic (2). Last evaluated 2026-05-13.

Conditions:
Recessive dystrophic epidermolysis bullosa (RDEB). Also called: DYSTROPHIC EPIDERMOLYSIS BULLOSA, AUTOSOMAL RECESSIVE; EPIDERMOLYSIS BULLOSA DYSTROPHICA, HALLOPEAU-SIEMENS TYPE; Hallopeau-Siemens Disease; severe generalized recessive dystrophic epidermolysis bullosa; EPIDERMOLYSIS BULLOSA DYSTROPHICA, GENERALIZED SEVERE, AUTOSOMAL RECESSIVE; Recessive DEB (RDEB). Identifiers: Orphanet 79408, Orphanet 79409, MedGen C0079474, MONDO:0009179, OMIM 226600.
COL7A1-related disorder. Also called: COL7A1- related disorders; COL7A1-related condition.

Submissions (3):

Women's Health and Genetics/Laboratory Corporation of America, LabCorp
Classification: Likely pathogenic for Recessive dystrophic epidermolysis bullosa. Last evaluated: 2026-05-13. Review status: criteria provided, single submitter. Criteria: LabCorp Variant Classification Summary - May 2015. Collection method: clinical testing. Allele origin: germline.
Comment: Variant summary: COL7A1 c.6217G>T (p.Gly2073Cys) results in a non-conservative amino acid change in the encoded protein sequence. This variant disrupts the triple helix domain of COL7A1. Glycine residues within the Gly-Xaa-Yaa repeats of the triple helix domain are required for the structure and stability of fibrillar collagens (PMID: 7695699, 8218237, 19344236). Algorithms developed to predict the effect of missense changes on protein structure and function all suggest that this variant is likely to be disruptive. Several computational tools predict a significant impact on normal splicing: Two predict the variant weakens a canonical 3' acceptor site, one predicts the variant creates a cryptic 3' acceptor site, and two predict the variant strengthens a cryptic 3' acceptor site. However, these predictions have yet to be confirmed by functional studies. The variant was absent in 251146 control chromosomes. To our knowledge, no occurrence of c.6217G>T in individuals affected with COL7A1-related conditions and no experimental evidence demonstrating its impact on protein function have been reported. Multiple variants located at the same codon (c.6217G>C/p.Gly2073Arg, c.6217G>A/p.Gly2073Ser), c.6218G>A /p.Gly2073Asp) have been reported as Pathogenic/Likely Pathogenic, supporting a critical relevance of this residue to COL7A1 protein function. ClinVar contains an entry for this variant (Variation ID: 1188318). Based on the evidence outlined above, the variant was classified as likely pathogenic.

PreventionGenetics, part of Exact Sciences
Classification: Likely pathogenic for COL7A1-related condition. Last evaluated: 2024-12-23. Review status: criteria provided, single submitter. Criteria: ACMG Guidelines, 2015. Collection method: clinical testing. Allele origin: germline.
Comment: The COL7A1 c.6217G>T variant is predicted to result in the amino acid substitution p.Gly2073Cys. To our knowledge, this variant has not been reported in the literature or in a large population database (gnomAD), indicating this variant is rare. This variant resides in exon 75 and results in a glycine residue substitution. Glycine substitution variants in the triple helical domain (Gly-X-Y; especially in exons 73, 74, and 75) are predominant in autosomal dominant dystrophic epidermolysis bullosa (DDEB). Alternate substitutions (Val, Asp, Ser) at this amino acid position have been reported as pathogenic (Drera et al. 2006. PubMed ID: 16965329; Wei et al. 2020. PubMed ID: 32978145; Chen et al. 2022. PubMed ID: 36287101). This variant is interpreted as likely pathogenic.

GeneDx
Classification: Pathogenic. Last evaluated: 2021-06-10. Review status: criteria provided, single submitter. Criteria: GeneDx Variant Classification Process June 2021. Collection method: clinical testing. Allele origin: germline. Affected: yes.
Comment: Has not been previously published as pathogenic or benign to our knowledge; Located in the highly conserved Gly-X-Y repeat of the collagenous domain; Glycine substitution variants in this region of the COLVII protein destabilize the collagen triple helix resulting in skin fragility due to poor anchoring of the basement membrane to the underlying dermis (Pfendner and Lucky, 2018); Not observed in large population cohorts (Lek et al., 2016); In silico analysis, which includes protein predictors and evolutionary conservation, supports a deleterious effect

NM_000094.4(COL7A1):c.6217G>T (p.Gly2073Cys)

Gene: COL7A1 (collagen type VII alpha 1 chain; minus strand). Cytogenetic location: 3p21.31.
Variant type: single nucleotide variant.
Coding change: c.6217G>T on transcript NM_000094.4 (MANE Select); coding-DNA position 6217, G replaced by T.
Protein change: p.Gly2073Cys; replaces glycine 2073 with cysteine.
Molecular consequence: missense variant.
Genome position (GRCh38, 1-based): chr3:48,575,126, C>A on the plus strand (G>T on the coding strand, the complement: COL7A1 is on the minus strand). VCF-style: chr3-48575126-C-A. GRCh37 (hg19) VCF-style: chr3-48612559-C-A.
Other names: short protein forms G2073C.
Identifiers: ClinVar variation 1188318 (VCV001188318.4), dbSNP rs2107672112, ClinGen allele CA352662441.